The following is an entry in ClinVar:

ClinVar aggregate classification (germline): Uncertain significance. Review status: criteria provided, multiple submitters, no conflicts (2 of 4 stars). 2 submissions from 2 submitters: Uncertain significance (2). Last evaluated 2021-09-17.

Conditions:
CHARGE syndrome (CHARGE). Also called: Coloboma, heart anomaly, choanal atresia, retardation, genital and ear anomalies; CHARGE association; Hall-Hittner syndrome; Hittner Hirsch Kreh syndrome; CHARGE ASSOCIATION--COLOBOMA, HEART ANOMALY, CHOANAL ATRESIA, RETARDATION, GENITAL AND EAR ANOMALIES. Identifiers: Orphanet 138, MedGen C0265354, MONDO:0008965.

gnomAD v4.1: 2 of 1,613,660 alleles (0.00012%); highest among the groups gnomAD compares: Non-Finnish European, 0.00017%; no homozygotes.

Submissions (2):

New York Genome Center
Classification: Uncertain significance for CHD7-related CHARGE syndrome. Last evaluated: 2021-09-17. Review status: criteria provided, single submitter. Criteria: NYGC Assertion Criteria 2020. Collection method: clinical testing. Allele origin: inherited. Observed: 1 heterozygote. Study: CSER-NYCKidSeq.

Labcorp Genetics (formerly Invitae), Labcorp
Classification: Uncertain significance for CHARGE syndrome. Last evaluated: 2020-11-12. Review status: criteria provided, single submitter. Criteria: Invitae Variant Classification Sherloc (09022015). Collection method: clinical testing. Allele origin: germline.
Comment: In summary, the available evidence is currently insufficient to determine the role of this variant in disease. Therefore, it has been classified as a Variant of Uncertain Significance. This sequence change replaces proline with serine at codon 1591 of the CHD7 protein (p.Pro1591Ser). The proline residue is highly conserved and there is a moderate physicochemical difference between proline and serine. This variant is not present in population databases (ExAC no frequency). This variant has not been reported in the literature in individuals with CHD7-related conditions. Advanced modeling of protein sequence and biophysical properties (such as structural, functional, and spatial information, amino acid conservation, physicochemical variation, residue mobility, and thermodynamic stability) performed at Invitae indicates that this missense variant is not expected to disrupt CHD7 protein function.

NM_017780.4(CHD7):c.4771C>T (p.Pro1591Ser)

Gene: CHD7 (chromodomain helicase DNA binding protein 7; plus strand). Cytogenetic location: 8q12.2.
Variant type: single nucleotide variant.
Coding change: c.4771C>T on transcript NM_017780.4 (MANE Select); coding-DNA position 4771, C replaced by T.
Protein change: p.Pro1591Ser; replaces proline 1591 with serine.
Molecular consequence: missense variant. On other transcripts: intron variant (1).
Genome position (GRCh38, 1-based): chr8:60,841,973, C>T. VCF-style: chr8-60841973-C-T. GRCh37 (hg19) VCF-style: chr8-61754532-C-T.
Other names: c.1717-20256C>T (NM_001316690.1); short protein forms P1591S.
Identifiers: ClinVar variation 1481793 (VCV001481793.8), dbSNP rs2150786767, ClinGen allele CA371319440.